The following is an entry in ClinVar:

NM_001161352.2(KCNMA1):c.3146C>T (p.Ala1049Val)

Genes: KCNMA1 (potassium calcium-activated channel subfamily M alpha 1; minus strand), KCNMA1-AS1 (KCNMA1 antisense RNA 1; plus strand). Cytogenetic location: 10q22.3.
Variant type: single nucleotide variant.
Coding change: c.3146C>T on transcript NM_001161352.2 (MANE Select); coding-DNA position 3146, C replaced by T.
Protein change: p.Ala1049Val; replaces alanine 1049 with valine.
Molecular consequence: missense variant.
Genome position (GRCh38, 1-based): chr10:76,909,967, G>A on the plus strand (C>T on the coding strand, the complement: KCNMA1 is on the minus strand). VCF-style: chr10-76909967-G-A. GRCh37 (hg19) VCF-style: chr10-78669725-G-A.
Other names: c.2984C>T, p.Ala995Val (NM_001014797.3); c.3095C>T, p.Ala1032Val (NM_001161353.2); c.2822C>T, p.Ala941Val (NM_001271518.2); c.3062C>T, p.Ala1021Val (NM_001271519.2); c.2981C>T, p.Ala994Val (NM_001322829.2, NM_001322836.2); c.3074C>T, p.Ala1025Val (NM_001322830.2); c.2972C>T, p.Ala991Val (NM_001322832.2, NM_002247.4); c.3065C>T, p.Ala1022Val (NM_001322835.2, NM_001322837.2); and 1 more; short protein forms A994V, A995V, A1021V, A991V, A1032V, A1049V, A840V, A941V.
Identifiers: ClinVar variation 1468211 (VCV001468211.8), dbSNP rs2152363692, ClinGen allele CA377403704.

ClinVar aggregate classification (germline): Uncertain significance (1 of 4 stars; one submission).

Conditions:
Generalized epilepsy-paroxysmal dyskinesia syndrome (PNKD3). Also called: Generalized epilepsy and paroxysmal dyskinesia; Paroxysmal nonkinesigenic dyskinesia, 3, with or without generalized epilepsy. Identifiers: Orphanet 79137, MedGen C5574945, MONDO:0012276, OMIM 609446.

Submission:

Labcorp Genetics (formerly Invitae), Labcorp
Classification: Uncertain significance for Generalized epilepsy-paroxysmal dyskinesia syndrome. Last evaluated: 2024-07-11. Review status: criteria provided, single submitter. Criteria: Invitae Variant Classification Sherloc (09022015). Collection method: clinical testing. Allele origin: germline.
Comment: This sequence change replaces alanine, which is neutral and non-polar, with valine, which is neutral and non-polar, at codon 991 of the KCNMA1 protein (p.Ala991Val). This variant is not present in population databases (gnomAD no frequency). This variant has not been reported in the literature in individuals affected with KCNMA1-related conditions. ClinVar contains an entry for this variant (Variation ID: 1468211). An algorithm developed to predict the effect of missense changes on protein structure and function (PolyPhen-2) suggests that this variant is likely to be disruptive. In summary, the available evidence is currently insufficient to determine the role of this variant in disease. Therefore, it has been classified as a Variant of Uncertain Significance.